The following is an entry in ClinVar:

ClinVar aggregate classification (germline): Uncertain significance. Review status: criteria provided, multiple submitters, no conflicts (2 of 4 stars). 3 submissions from 3 submitters: Uncertain significance (3). Last evaluated 2025-02-09.

Conditions:
Acute myeloid leukemia (AML). Also called: Leukemia, acute myeloid, somatic; Leukemia, acute myelogenous, somatic; Acute myeloid leukemia, adult; AML adult; Acute non-lymphocytic leukemia; Acute granulocytic leukemia. Identifiers: Orphanet 519, MedGen C0023467, MeSH D015470, MONDO:0018874, OMIM 601626, HP:0004808. Disease mechanism: Constitutively activated FLT3.
Inborn genetic diseases. Identifiers: MedGen C0950123, MeSH D030342.
Deafness-lymphedema-leukemia syndrome. Also called: Lymphedema, primary, with myelodysplasia; Emberger syndrome. Identifiers: Orphanet 3226, MedGen C3279664, MONDO:0013540, OMIM 614038.
Monocytopenia with susceptibility to infections. Also called: MONOCYTOPENIA AND MYCOBACTERIAL INFECTION SYNDROME; MONOCYTOPENIA WITH SUSCEPTIBILITY TO MYCOBACTERIAL, FUNGAL, AND PAPILLOMAVIRUS INFECTIONS AND MYELODYSPLASIA; COMBINED IMMUNODEFICIENCY WITH SUSCEPTIBILITY TO MYCOBACTERIAL, VIRAL, AND FUNGAL INFECTIONS; Dendritic cell, monocyte, B lymphocyte, and natural killer lymphocyte deficiency; IMMUNODEFICIENCY 21; GATA2 DEFICIENCY. Identifiers: Orphanet 228423, MedGen C3280030, MONDO:0013607, OMIM 614172.

Submissions (3):

Ambry Genetics
Classification: Uncertain significance for Inborn genetic diseases. Last evaluated: 2025-02-09. Review status: criteria provided, single submitter. Criteria: Ambry Variant Classification Scheme 2023. Collection method: clinical testing. Allele origin: germline.
Comment: The p.V156L variant (also known as c.466G>C), located in coding exon 2 of the GATA2 gene, results from a G to C substitution at nucleotide position 466. The valine at codon 156 is replaced by leucine, an amino acid with highly similar properties. This amino acid position is conserved. In addition, the in silico prediction for this alteration is inconclusive. Based on the available evidence, the clinical significance of this variant remains unclear.

Baylor Genetics
Classification: Uncertain significance for Acute myeloid leukemia. Last evaluated: 2024-01-26. Review status: criteria provided, single submitter. Criteria: ACMG Guidelines, 2015. Collection method: clinical testing. Allele origin: unknown.

Labcorp Genetics (formerly Invitae), Labcorp
Classification: Uncertain significance for Monocytopenia with susceptibility to infections; Deafness-lymphedema-leukemia syndrome. Last evaluated: 2021-04-11. Review status: criteria provided, single submitter. Criteria: Invitae Variant Classification Sherloc (09022015). Collection method: clinical testing. Allele origin: germline.
Comment: In summary, the available evidence is currently insufficient to determine the role of this variant in disease. Therefore, it has been classified as a Variant of Uncertain Significance. Advanced modeling of protein sequence and biophysical properties (such as structural, functional, and spatial information, amino acid conservation, physicochemical variation, residue mobility, and thermodynamic stability) performed at Invitae indicates that this missense variant is not expected to disrupt GATA2 protein function. This variant has not been reported in the literature in individuals with GATA2-related conditions. This variant is not present in population databases (ExAC no frequency). This sequence change replaces valine with leucine at codon 156 of the GATA2 protein (p.Val156Leu). The valine residue is weakly conserved and there is a small physicochemical difference between valine and leucine.

NM_032638.5(GATA2):c.466G>C (p.Val156Leu)

Gene: GATA2 (GATA binding protein 2; minus strand). Cytogenetic location: 3q21.3.
Variant type: single nucleotide variant.
Coding change: c.466G>C on transcript NM_032638.5 (MANE Select); coding-DNA position 466, G replaced by C.
Protein change: p.Val156Leu; replaces valine 156 with leucine.
Molecular consequence: missense variant.
Genome position (GRCh38, 1-based): chr3:128,486,132, C>G on the plus strand (G>C on the coding strand, the complement: GATA2 is on the minus strand). VCF-style: chr3-128486132-C-G. GRCh37 (hg19) VCF-style: chr3-128204975-C-G.
Other names: c.466G>C, p.Val156Leu (NM_001145661.2, NM_001145662.1); c.466G>C (NM_032638.4); short protein forms V156L.
Identifiers: ClinVar variation 1464967 (VCV001464967.10), dbSNP rs2068695139, ClinGen allele CA354406697.